The following is an entry in ClinVar:

NM_001252024.2(TRPM1):c.1673T>G (p.Val558Gly)

Gene: TRPM1 (transient receptor potential cation channel subfamily M member 1; minus strand). Cytogenetic location: 15q13.3.
Variant type: single nucleotide variant.
Coding change: c.1673T>G on transcript NM_001252024.2 (MANE Select); coding-DNA position 1673, T replaced by G.
Protein change: p.Val558Gly; replaces valine 558 with glycine.
Molecular consequence: missense variant.
Genome position (GRCh38, 1-based): chr15:31,047,202, A>C on the plus strand (T>G on the coding strand, the complement: TRPM1 is on the minus strand). VCF-style: chr15-31047202-A-C. GRCh37 (hg19) VCF-style: chr15-31339405-A-C.
Other names: c.1724T>G, p.Val575Gly (NM_001252020.2); c.1607T>G, p.Val536Gly (NM_002420.6); short protein forms V536G, V558G, V575G.
Identifiers: ClinVar variation 2134200 (VCV002134200.4), dbSNP rs1390289996, ClinGen allele CA391515387.

ClinVar aggregate classification (germline): Uncertain significance (1 of 4 stars; one submission).

Submission:

Labcorp Genetics (formerly Invitae), Labcorp
Classification: Uncertain significance. Last evaluated: 2022-05-05. Review status: criteria provided, single submitter. Criteria: Invitae Variant Classification Sherloc (09022015). Collection method: clinical testing. Allele origin: germline.
Comment: This sequence change replaces valine, which is neutral and non-polar, with glycine, which is neutral and non-polar, at codon 536 of the TRPM1 protein (p.Val536Gly). This variant is not present in population databases (gnomAD no frequency). This variant has not been reported in the literature in individuals affected with TRPM1-related conditions. Algorithms developed to predict the effect of missense changes on protein structure and function are either unavailable or do not agree on the potential impact of this missense change (SIFT: "Deleterious"; PolyPhen-2: "Possibly Damaging"; Align-GVGD: "Class C0"). In summary, the available evidence is currently insufficient to determine the role of this variant in disease. Therefore, it has been classified as a Variant of Uncertain Significance.